The following is an entry in ClinVar:

ClinVar aggregate classification (germline): Uncertain significance. Review status: criteria provided, multiple submitters, no conflicts (2 of 4 stars). 2 submissions from 2 submitters: Uncertain significance (2). Last evaluated 2025-07-17.

Conditions:
BBS10-related disorder. Also called: BBS10-related condition.
Bardet-Biedl syndrome (BBS). Identifiers: Orphanet 110, MedGen C0752166, MONDO:0015229.

Allele frequency attached by ClinVar (database versions not stated): gnomAD 0.00001; TOPMed 0.00001.

Submissions (2):

PreventionGenetics, part of Exact Sciences
Classification: Uncertain significance for BBS10-related condition. Last evaluated: 2025-07-17. Review status: criteria provided, single submitter. Criteria: ACMG Guidelines, 2015. Collection method: clinical testing. Allele origin: germline.
Comment: The BBS10 c.1123A>T variant is predicted to result in the amino acid substitution p.Ile375Phe. To our knowledge, this variant has not been reported in the literature or in a large population database (gnomAD), indicating this variant is rare. At this time, the clinical significance of this variant is uncertain due to the absence of conclusive functional and genetic evidence.

Labcorp Genetics (formerly Invitae), Labcorp
Classification: Uncertain significance for Bardet-Biedl syndrome. Last evaluated: 2021-09-03. Review status: criteria provided, single submitter. Criteria: Invitae Variant Classification Sherloc (09022015). Collection method: clinical testing. Allele origin: germline.
Comment: This variant has not been reported in the literature in individuals with BBS10-related disease. This sequence change replaces isoleucine with phenylalanine at codon 375 of the BBS10 protein (p.Ile375Phe). The isoleucine residue is moderately conserved and there is a small physicochemical difference between isoleucine and phenylalanine. This variant is not present in population databases (ExAC no frequency). Algorithms developed to predict the effect of missense changes on protein structure and function are either unavailable or do not agree on the potential impact of this missense change (SIFT: "Tolerated"; PolyPhen-2: "Possibly Damaging"; Align-GVGD: "Class C0"). In summary, the available evidence is currently insufficient to determine the role of this variant in disease. Therefore, it has been classified as a Variant of Uncertain Significance.

NM_024685.4(BBS10):c.1123A>T (p.Ile375Phe)

Gene: BBS10 (Bardet-Biedl syndrome 10; minus strand). Cytogenetic location: 12q21.2.
Variant type: single nucleotide variant.
Coding change: c.1123A>T on transcript NM_024685.4 (MANE Select); coding-DNA position 1123, A replaced by T.
Protein change: p.Ile375Phe; replaces isoleucine 375 with phenylalanine.
Molecular consequence: missense variant.
Genome position (GRCh38, 1-based): chr12:76,346,862, T>A on the plus strand (A>T on the coding strand, the complement: BBS10 is on the minus strand). VCF-style: chr12-76346862-T-A. GRCh37 (hg19) VCF-style: chr12-76740642-T-A.
Other names: c.1123A>T (NM_024685.3); short protein forms I375F.
Identifiers: ClinVar variation 1410815 (VCV001410815.8), dbSNP rs1289641509, ClinGen allele CA385812673.